The following is an entry in ClinVar:

NM_005343.4(HRAS):c.291-9del

Genes: HRAS (HRas proto-oncogene, GTPase; minus strand), LRRC56 (leucine rich repeat containing 56; plus strand). Cytogenetic location: 11p15.5.
Variant type: Deletion.
Coding change: c.291-9del on transcript NM_005343.4 (MANE Select); 9 bases into the intron before coding-DNA position 291, one base deleted (A; older notation c.291-9delA).
Molecular consequence: intron variant.
Genome position (GRCh38, 1-based): chr11:533,621, T deleted on the plus strand (A on the coding strand, the reverse complement: HRAS is on the minus strand). VCF-style (leftmost placement, unchanged base first): chr11-533620-GT-G. GRCh37 (hg19) VCF-style: chr11-533620-GT-G.
Other names: c.291-9del (NM_001130442.3, NM_176795.5); c.-29-9del (NM_001318054.2); c.291-9delA (NM_005343.3).
Identifiers: ClinVar variation 1161396 (VCV001161396.11), dbSNP rs749335082, ClinGen allele CA5779340.

ClinVar aggregate classification (germline): Likely benign. Review status: criteria provided, single submitter (1 of 4 stars). 2 submissions from 2 submitters: Likely benign (1). 1 of the submissions does not count toward it. Last evaluated 2024-06-19.

Conditions:
HRAS-related disorder. Also called: HRAS-related condition.
Costello syndrome (CSTLO). Also called: FACIOCUTANEOSKELETAL SYNDROME; HRAS-Related Costello Syndrome; FCS SYNDROME. Identifiers: Orphanet 3071, MedGen C0587248, MONDO:0009026, OMIM 218040.

Allele frequency attached by ClinVar (database versions not stated): gnomAD exomes below 0.00001; ExAC 0.00001; gnomAD 0.00001.

Submissions (2):

Labcorp Genetics (formerly Invitae), Labcorp
Classification: Likely benign for Costello syndrome. Last evaluated: 2024-06-19. Review status: criteria provided, single submitter. Criteria: Invitae Variant Classification Sherloc (09022015). Collection method: clinical testing. Allele origin: germline.

PreventionGenetics, part of Exact Sciences
Classification: Likely benign for HRAS-related condition. Last evaluated: 2023-08-12. Review status: no assertion criteria provided. Collection method: clinical testing. Allele origin: germline. Not counted in ClinVar's aggregate classification.
Comment: This variant is classified as likely benign based on ACMG/AMP sequence variant interpretation guidelines (Richards et al. 2015 PMID: 25741868, with internal and published modifications).